The following is an entry in ClinVar:

NM_004304.5(ALK):c.3575G>A (p.Arg1192Gln)

Gene: ALK (ALK receptor tyrosine kinase; minus strand). Cytogenetic location: 2p23.2.
Variant type: single nucleotide variant.
Coding change: c.3575G>A on transcript NM_004304.5 (MANE Select); coding-DNA position 3575, G replaced by A.
Protein change: p.Arg1192Gln; replaces arginine 1192 with glutamine.
Molecular consequence: missense variant.
Genome position (GRCh38, 1-based): chr2:29,220,776, C>T on the plus strand (G>A on the coding strand, the complement: ALK is on the minus strand). VCF-style: chr2-29220776-C-T. GRCh37 (hg19) VCF-style: chr2-29443642-C-T.
Other names: c.371G>A, p.Arg124Gln (NM_001353765.2); short protein forms R124Q, R1192Q.
Identifiers: ClinVar variation 823946 (VCV000823946.14), dbSNP rs113994089, ClinGen allele CA346473083.

ClinVar aggregate classification (germline): Uncertain significance. Review status: criteria provided, multiple submitters, no conflicts (2 of 4 stars). 2 submissions from 2 submitters: Uncertain significance (2). Last evaluated 2025-12-16.

Conditions:
Hereditary cancer-predisposing syndrome. Also called: Neoplastic Syndromes, Hereditary; Hereditary Cancer Syndrome; Hereditary neoplastic syndrome; Tumor predisposition. Identifiers: Orphanet 140162, MedGen C0027672, MeSH D009386, MONDO:0015356.
Neuroblastoma, susceptibility to, 3. Also called: ALK-Related Neuroblastic Tumor Susceptibility. Identifiers: Orphanet 635, MedGen C2751681, MONDO:0013083, OMIM 613014.

Allele frequency attached by ClinVar (database versions not stated): TOPMed below 0.00001; gnomAD 0.00001.
gnomAD v4.1: 4 of 1,613,950 alleles (0.00025%); highest among the groups gnomAD compares: African/African-American, 0.0013%; no homozygotes.

Submissions (2):

Labcorp Genetics (formerly Invitae), Labcorp
Classification: Uncertain significance for Neuroblastoma, susceptibility to, 3. Last evaluated: 2025-12-16. Review status: criteria provided, single submitter. Criteria: Invitae Variant Classification Sherloc (09022015). Collection method: clinical testing. Allele origin: germline.
Comment: This sequence change replaces arginine, which is basic and polar, with glutamine, which is neutral and polar, at codon 1192 of the ALK protein (p.Arg1192Gln). This variant is not present in population databases (gnomAD no frequency). This variant has not been reported in the literature in individuals affected with ALK-related conditions. ClinVar contains an entry for this variant (Variation ID: 823946). An algorithm developed to predict the effect of missense changes on protein structure and function (PolyPhen-2) suggests that this variant is likely to be disruptive. Experimental studies have shown that this missense change does not substantially affect ALK function (PMID: 22086496). This variant disrupts the p.Arg1192 amino acid residue in ALK. Other variant(s) that disrupt this residue have been determined to be pathogenic (PMID: 18724359, 18923523). This suggests that this residue is clinically significant, and that variants that disrupt this residue are likely to be disease-causing. In summary, the available evidence is currently insufficient to determine the role of this variant in disease. Therefore, it has been classified as a Variant of Uncertain Significance.

Ambry Genetics
Classification: Uncertain significance for Hereditary cancer-predisposing syndrome. Last evaluated: 2025-01-14. Review status: criteria provided, single submitter. Criteria: Ambry Variant Classification Scheme 2023. Collection method: clinical testing. Allele origin: germline.
Comment: The p.R1192Q variant (also known as c.3575G>A), located in coding exon 23 of the ALK gene, results from a G to A substitution at nucleotide position 3575. The arginine at codon 1192 is replaced by glutamine, an amino acid with highly similar properties. The mutant ALK protein R1192Q did not confer transformation potential to mouse embryonic fibroblasts grown in vitro as assessed by the foci formation assay when compared to a neuroblastoma-associated mutation (F1174L), and was suggested to be inactive with regard to tumor-promoting activity based on lack of Y1604 phosphorylation (McDuff FK et al. Mol. Carcinog. 2013 Jan;52:79-83). Of note, a different alteration at this amino acid position (R1192P) has been identified in multiple families with neuroblastic tumors (Moss&eacute; YP et al. Nature 2008 Oct;455:930-5; Janoueix-Lerosey I et al. Nature 2008 Oct;455:967-70). This amino acid position is highly conserved in available vertebrate species. In addition, the in silico prediction for this alteration is inconclusive. Since supporting evidence is limited at this time, the clinical significance of this alteration remains unclear.

Literature cited by the submitters: PubMed 22086496 (cited by Labcorp Genetics (formerly Invitae), Labcorp and Ambry Genetics); PubMed 18724359 (cited by Labcorp Genetics (formerly Invitae), Labcorp and Ambry Genetics); PubMed 18923523 (cited by Labcorp Genetics (formerly Invitae), Labcorp and Ambry Genetics).